The following is an entry in ClinVar:

ClinVar aggregate classification (germline): Uncertain significance (1 of 4 stars; one submission).

Conditions:
RASopathy. Also called: rasopathies; Noonan spectrum disorder. Identifiers: Orphanet 536391, MedGen C5555857, MONDO:0021060.

gnomAD v4.1: 3 of 1,613,622 alleles (0.00019%); highest among the groups gnomAD compares: African/African-American, 0.0027%; no homozygotes.

Submission:

Labcorp Genetics (formerly Invitae), Labcorp
Classification: Uncertain significance for RASopathy. Last evaluated: 2024-07-24. Review status: criteria provided, single submitter. Criteria: Invitae Variant Classification Sherloc (09022015). Collection method: clinical testing. Allele origin: germline.
Comment: This sequence change replaces tyrosine, which is neutral and polar, with cysteine, which is neutral and slightly polar, at codon 141 of the CBL protein (p.Tyr141Cys). This variant is present in population databases (no rsID available, gnomAD 0.004%). This variant has not been reported in the literature in individuals affected with CBL-related conditions. Advanced modeling of protein sequence and biophysical properties (such as structural, functional, and spatial information, amino acid conservation, physicochemical variation, residue mobility, and thermodynamic stability) has been performed at Invitae for this missense variant, however the output from this modeling did not meet the statistical confidence thresholds required to predict the impact of this variant on CBL protein function. In summary, the available evidence is currently insufficient to determine the role of this variant in disease. Therefore, it has been classified as a Variant of Uncertain Significance.

NM_005188.4(CBL):c.422A>G (p.Tyr141Cys)

Gene: CBL (Cbl proto-oncogene; plus strand). Cytogenetic location: 11q23.3.
Variant type: single nucleotide variant.
Coding change: c.422A>G on transcript NM_005188.4 (MANE Select); coding-DNA position 422, A replaced by G.
Protein change: p.Tyr141Cys; replaces tyrosine 141 with cysteine.
Molecular consequence: missense variant.
Genome position (GRCh38, 1-based): chr11:119,232,674, A>G. VCF-style: chr11-119232674-A-G. GRCh37 (hg19) VCF-style: chr11-119103384-A-G.
Other names: short protein forms Y141C.
Identifiers: ClinVar variation 3634376 (VCV003634376.2).